The following is an entry in ClinVar:

ClinVar aggregate classification (germline): Uncertain significance (1 of 4 stars; one submission).

gnomAD v4.1: 1 of 1,210,833 alleles (0.000083%); highest among the groups gnomAD compares: Non-Finnish European, 0.00011%; no homozygotes.

Submission:

Greenwood Genetic Center Diagnostic Laboratories, Greenwood Genetic Center
Classification: Uncertain significance. Last evaluated: 2024-10-09. Review status: criteria provided, single submitter. Criteria: ACMG Guidelines, 2015. Collection method: clinical testing. Allele origin: germline. Affected: yes.
Comment: PM2, BP4, PP2

NM_003410.4(ZFX):c.1928C>T (p.Ser643Leu)

Gene: ZFX (zinc finger protein X-linked; plus strand). Cytogenetic location: Xp22.11.
Variant type: single nucleotide variant.
Coding change: c.1928C>T on transcript NM_003410.4 (MANE Select); coding-DNA position 1928, C replaced by T.
Protein change: p.Ser643Leu; replaces serine 643 with leucine.
Molecular consequence: missense variant. On other transcripts: 3 prime UTR variant (1).
Genome position (GRCh38, 1-based): chrX:24,210,886, C>T. VCF-style: chrX-24210886-C-T. GRCh37 (hg19) VCF-style: chrX-24229003-C-T.
Other names: c.1928C>T, p.Ser643Leu (NM_001178084.2, NM_001178085.1); c.1241C>T, p.Ser414Leu (NM_001178086.2); c.*688C>T (NM_001178095.2); c.2045C>T, p.Ser682Leu (NM_001330327.2); short protein forms S414L, S643L, S682L.
Identifiers: ClinVar variation 3765700 (VCV003765700.1).